The following is an entry in ClinVar:

ClinVar aggregate classification (germline): Likely pathogenic (1 of 4 stars; one submission).

Submission:

GeneDx
Classification: Likely pathogenic. Last evaluated: 2017-07-13. Review status: criteria provided, single submitter. Criteria: GeneDx Variant Classification (06012015). Collection method: clinical testing. Allele origin: germline. Affected: yes.
Comment: The K64T variant is not observed in large population cohorts (Lek et al., 2016; 1000 Genomes Consortium et al., 2015; Exome Variant Server). The K64T variant is a semi-conservative amino acid substitution, which occurs at a position that is conserved across species. In silico analysis predicts this variant is probably damaging to the protein structure/function. Therefore, we interpret K64T as a likely pathogenic variant.

NM_001375380.1(EBF3):c.191A>C (p.Lys64Thr)

Gene: EBF3 (EBF transcription factor 3; minus strand). Cytogenetic location: 10q26.3.
Variant type: single nucleotide variant.
Coding change: c.191A>C on transcript NM_001375380.1 (MANE Select); coding-DNA position 191, A replaced by C.
Protein change: p.Lys64Thr; replaces lysine 64 with threonine.
Molecular consequence: missense variant.
Genome position (GRCh38, 1-based): chr10:129,963,467, T>G on the plus strand (A>C on the coding strand, the complement: EBF3 is on the minus strand). VCF-style: chr10-129963467-T-G. GRCh37 (hg19) VCF-style: chr10-131761731-T-G.
Other names: c.191A>C, p.Lys64Thr (NM_001005463.3, NM_001375379.1, NM_001375389.1 and 3 more transcripts); short protein forms K64T.
Identifiers: ClinVar variation 430931 (VCV000430931.2), dbSNP rs1131692262, ClinGen allele CA378911324.